The following is an entry in ClinVar:

NM_018122.5(DARS2):c.1412G>A (p.Arg471His)

Gene: DARS2 (aspartyl-tRNA synthetase 2, mitochondrial; plus strand). Cytogenetic location: 1q25.1.
Variant type: single nucleotide variant.
Coding change: c.1412G>A on transcript NM_018122.5 (MANE Select); coding-DNA position 1412, G replaced by A.
Protein change: p.Arg471His; replaces arginine 471 with histidine.
Molecular consequence: missense variant.
Genome position (GRCh38, 1-based): chr1:173,853,416, G>A. VCF-style: chr1-173853416-G-A. GRCh37 (hg19) VCF-style: chr1-173822554-G-A.
Other names: c.1259G>A, p.Arg420His (NM_001365212.1); short protein forms R420H, R471H.
Identifiers: ClinVar variation 4279513 (VCV004279513.1).

ClinVar aggregate classification (germline): Uncertain significance (1 of 4 stars; one submission).

Conditions:
Leukoencephalopathy with brain stem and spinal cord involvement-high lactate syndrome (LBSL). Also called: MITOCHONDRIAL ASPARTYL-tRNA SYNTHETASE DEFICIENCY; LEUKOENCEPHALOPATHY WITH BRAINSTEM AND SPINAL CORD INVOLVEMENT AND LACTATE ELEVATION, MILD; Leukoencephalopathy with Brainstem and Spinal Cord Involvement and Lactate Elevation. Identifiers: Orphanet 137898, MedGen C1970180, MONDO:0012622, OMIM 611105.

gnomAD v4.1: 14 of 1,613,862 alleles (0.00087%); highest among the groups gnomAD compares: African/African-American, 0.0053%; no homozygotes.

Submission:

Diagnostics Services (NGS), CSIR - Centre For Cellular And Molecular Biology
Classification: Uncertain significance for Leukoencephalopathy with brain stem and spinal cord involvement-high lactate syndrome. Last evaluated: 2025-10-09. Review status: criteria provided, single submitter. Criteria: ACMG Guidelines, 2015. Collection method: clinical testing. Allele origin: germline. Observed: 1 homozygote.
Comment: The c.1412G>A variant is not present in publicly available population databases like 1000 Genomes, EVS, Indian Exome Database or our internal database. The variant is present in gnomAD, at low frequencies. This variant has neither been published in literature in individuals affected with DARS2-related conditions nor reported to the clinical databases like ClinVar, Human Genome Mutation Database (HGMD) or OMIM, in any affected individuals. In-silico pathogenicity prediction programs like SIFT, PolyPhen-2, MutationTaster2, CADD etc predicted this variant to be likely deleterious however these predictions were not confirmed by published functional studies.